The following is an entry in ClinVar:

ClinVar aggregate classification (germline): Benign. Review status: criteria provided, multiple submitters, no conflicts (2 of 4 stars). 3 submissions from 3 submitters: Benign (3). Last evaluated 2026-01-15.

Allele frequency attached by ClinVar (database versions not stated): 1000 Genomes Project 30x 0.00250; 1000 Genomes Project 0.00260; gnomAD exomes 0.00861 and 0.01205; gnomAD 0.00874 and 0.00921; ExAC 0.00909; TOPMed 0.00953; ESP Exome Variant Server 0.01184.
gnomAD v4.1: 18,876 of 1,613,660 alleles (1.2%); highest among the groups gnomAD compares: Non-Finnish European, 1.4%; 162 homozygotes.

Submissions (3):

Labcorp Genetics (formerly Invitae), Labcorp
Classification: Benign. Last evaluated: 2026-01-15. Review status: criteria provided, single submitter. Criteria: Invitae Variant Classification Sherloc (09022015). Collection method: clinical testing. Allele origin: germline.

CeGaT Center for Human Genetics Tuebingen
Classification: Benign. Last evaluated: 2025-01-01. Review status: criteria provided, single submitter. Criteria: CeGaT Center For Human Genetics Tuebingen Variant Classification Criteria Version 2. Collection method: clinical testing. Allele origin: germline. Affected: yes. Observed: 3 variant alleles.
Comment: CELSR2: BP4, BP7, BS1, BS2

Breakthrough Genomics
Classification: Benign. Review status: criteria provided, single submitter. Criteria: ACMG Guidelines, 2015. Collection method: not provided. Allele origin: germline. Inheritance: Unknown mechanism. Affected: yes.

NM_001408.3(CELSR2):c.333C>T (p.Pro111=)

Gene: CELSR2 (cadherin EGF LAG seven-pass G-type receptor 2; plus strand). Cytogenetic location: 1p13.3.
Variant type: single nucleotide variant.
Coding change: c.333C>T on transcript NM_001408.3 (MANE Select); coding-DNA position 333, C replaced by T.
Protein change: p.Pro111=; no amino-acid change (proline 111 retained).
Molecular consequence: synonymous variant.
Genome position (GRCh38, 1-based): chr1:109,250,412, C>T. VCF-style: chr1-109250412-C-T. GRCh37 (hg19) VCF-style: chr1-109793034-C-T.
Identifiers: ClinVar variation 774396 (VCV000774396.33), dbSNP rs142746289, ClinGen allele CA986368.